The following is an entry in ClinVar:

NM_000551.4(VHL):c.340+630_340+631del

Genes: VHL (von Hippel-Lindau tumor suppressor; plus strand), LOC107303340 (3p25 von Hippel-Lindau tumor suppressor, E3 ubiquitin protein ligase Alu-mediated recombination region; plus strand). Cytogenetic location: 3p25.3.
Variant type: Microsatellite.
Coding change: c.340+630_340+631del on transcript NM_000551.4 (MANE Select); bases 630 to 631 of the intron after coding-DNA position 340, 2 bases deleted (CA; older notation c.340+630_340+631delCA).
Molecular consequence: intron variant. On other transcripts: frameshift variant (1).
Genome position (GRCh38, 1-based): chr3:10,142,817-10,142,818, CA deleted; deleting any 2 consecutive bases within chr3:10,142,814-10,142,818 gives the same sequence; the c. name uses the placement nearest the transcript's 3' end. VCF-style (leftmost placement, unchanged base first): chr3-10142813-AAC-A. GRCh37 (hg19) VCF-style: chr3-10184497-AAC-A.
Other names: c.395_396del, p.Thr132fs (NM_001354723.2); c.340+630_340+631del (NM_198156.3); short protein forms T132fs.
Identifiers: ClinVar variation 1046926 (VCV001046926.9), dbSNP rs1696159237, ClinGen allele CA1345067220.

ClinVar aggregate classification (germline): Uncertain significance (1 of 4 stars; one submission).

Conditions:
Von Hippel-Lindau syndrome (VHLS). Also called: Von Hippel-Lindau; von Hippel–Lindau syndrome; VHL syndrome. Identifiers: Orphanet 892, MedGen C0019562, MONDO:0008667, OMIM 193300. Disease mechanism: loss of function.
Chuvash polycythemia. Also called: POLYCYTHEMIA, VHL-DEPENDENT. Identifiers: Orphanet 238557, MedGen C1837915, MONDO:0009892, OMIM 263400.

Submission:

Labcorp Genetics (formerly Invitae), Labcorp
Classification: Uncertain significance for Von Hippel-Lindau syndrome; Chuvash polycythemia. Last evaluated: 2022-10-08. Review status: criteria provided, single submitter. Criteria: Invitae Variant Classification Sherloc (09022015). Collection method: clinical testing. Allele origin: germline.
Comment: In summary, the available evidence is currently insufficient to determine the role of this variant in disease. Therefore, it has been classified as a Variant of Uncertain Significance. Algorithms developed to predict the effect of sequence changes on RNA splicing suggest that this variant is not likely to affect RNA splicing. Experimental studies and prediction algorithms are not available or were not evaluated, and the functional significance of this variant is currently unknown. This variant has not been reported in the literature in individuals affected with VHL-related conditions. This variant is not present in population databases (gnomAD no frequency). This sequence change falls in intron 1 of the VHL gene. It is not expected to change the encoded amino acid sequence of the VHL protein. However, this sequence change falls within a cryptic exon in the VHL gene, known as exon E1’, which is naturally expressed at low levels in several human tissues (PMID: 29891534).

Literature cited by the submitters: PubMed 29891534.